The following is an entry in ClinVar:

NM_001148.6(ANK2):c.10085C>T (p.Ser3362Leu)

Gene: ANK2 (ankyrin 2; plus strand). Cytogenetic location: 4q26.
Variant type: single nucleotide variant.
Coding change: c.10085C>T on transcript NM_001148.6 (MANE Select); coding-DNA position 10085, C replaced by T.
Protein change: p.Ser3362Leu; replaces serine 3362 with leucine.
Molecular consequence: missense variant. On other transcripts: intron variant (68).
Genome position (GRCh38, 1-based): chr4:113,358,703, C>T. VCF-style: chr4-113358703-C-T. GRCh37 (hg19) VCF-style: chr4-114279859-C-T.
Other names: c.9851C>T, p.Ser3284Leu (NM_001386142.1); c.6485C>T, p.Ser2162Leu (NM_001386166.1); c.10226C>T, p.Ser3409Leu (NM_001386174.1); c.10202C>T, p.Ser3401Leu (NM_001386175.1); c.4412-2120C>T (NM_001386186.2, NM_001386148.2); c.4214-2120C>T (NM_001354269.3); c.4292-2120C>T (NM_001386187.2); c.4253-2120C>T (NM_001386147.1); and 35 more; short protein forms S3362L, S2162L, S3284L, S3401L, S3409L.
Identifiers: ClinVar variation 457010 (VCV000457010.5), dbSNP rs751293026, ClinGen allele CA3052023.

ClinVar aggregate classification (germline): Uncertain significance (1 of 4 stars; one submission).

Conditions:
Long QT syndrome (LQTS). Identifiers: MedGen C0023976, MeSH D008133, MONDO:0002442. Disease mechanism: loss of function. Inheritance: Various modes of inheritance.

Allele frequency attached by ClinVar (database versions not stated): gnomAD exomes below 0.00001; ExAC 0.00001.
gnomAD v4.1: 1 of 1,614,082 alleles (0.000062%); highest among the groups gnomAD compares: Non-Finnish European, 0.000085%; no homozygotes.

Submission:

Labcorp Genetics (formerly Invitae), Labcorp
Classification: Uncertain significance for Long QT syndrome. Last evaluated: 2022-03-09. Review status: criteria provided, single submitter. Criteria: Invitae Variant Classification Sherloc (09022015). Collection method: clinical testing. Allele origin: germline.
Comment: This variant is present in population databases (rs751293026, gnomAD 0.003%). This sequence change replaces serine, which is neutral and polar, with leucine, which is neutral and non-polar, at codon 3362 of the ANK2 protein (p.Ser3362Leu). This variant has not been reported in the literature in individuals affected with ANK2-related conditions. In summary, the available evidence is currently insufficient to determine the role of this variant in disease. Therefore, it has been classified as a Variant of Uncertain Significance. Algorithms developed to predict the effect of missense changes on protein structure and function output the following: SIFT: "Tolerated"; PolyPhen-2: "Benign"; Align-GVGD: "Class C0". The leucine amino acid residue is found in multiple mammalian species, which suggests that this missense change does not adversely affect protein function. ClinVar contains an entry for this variant (Variation ID: 457010).